The following is an entry in ClinVar:

ClinVar aggregate classification (germline): Uncertain significance (1 of 4 stars; one submission).

gnomAD v4.1: 2 of 1,595,886 alleles (0.00013%); highest among the groups gnomAD compares: African/African-American, 0.0027%; no homozygotes.

Submission:

GeneDx
Classification: Uncertain significance. Last evaluated: 2024-07-13. Review status: criteria provided, single submitter. Criteria: GeneDx Variant Classification Process June 2021. Collection method: clinical testing. Allele origin: germline. Affected: yes.
Comment: Not observed at significant frequency in large population cohorts (gnomAD); In silico analysis supports that this missense variant has a deleterious effect on protein structure/function; Has not been previously published as pathogenic or benign to our knowledge

NM_000719.7(CACNA1C):c.1664T>C (p.Val555Ala)

Gene: CACNA1C (calcium voltage-gated channel subunit alpha1 C; plus strand). Cytogenetic location: 12p13.33.
Variant type: single nucleotide variant.
Coding change: c.1664T>C on transcript NM_000719.7 (MANE Select); coding-DNA position 1664, T replaced by C.
Protein change: p.Val555Ala; replaces valine 555 with alanine.
Molecular consequence: missense variant.
Genome position (GRCh38, 1-based): chr12:2,566,577, T>C. VCF-style: chr12-2566577-T-C. GRCh37 (hg19) VCF-style: chr12-2675743-T-C.
Other names: c.1664T>C, p.Val555Ala (NM_001129827.2, NM_001129829.2, NM_001129830.3 and 18 more transcripts); c.1655T>C, p.Val552Ala (NM_001129844.2); short protein forms V555A, V552A.
Identifiers: ClinVar variation 3572521 (VCV003572521.1).